The following is an entry in ClinVar:

NM_020693.4(DSCAML1):c.3694G>C (p.Gly1232Arg)

Gene: DSCAML1 (DS cell adhesion molecule like 1; minus strand). Cytogenetic location: 11q23.3.
Variant type: single nucleotide variant.
Coding change: c.3694G>C on transcript NM_020693.4 (MANE Select); coding-DNA position 3694, G replaced by C.
Protein change: p.Gly1232Arg; replaces glycine 1232 with arginine.
Molecular consequence: missense variant.
Genome position (GRCh38, 1-based): chr11:117,450,563, C>G on the plus strand (G>C on the coding strand, the complement: DSCAML1 is on the minus strand). VCF-style: chr11-117450563-C-G. GRCh37 (hg19) VCF-style: chr11-117321279-C-G.
Other names: short protein forms G1232R.
Identifiers: ClinVar variation 1413409 (VCV001413409.6), dbSNP rs200813659, ClinGen allele CA6296624.

ClinVar aggregate classification (germline): Uncertain significance (1 of 4 stars; one submission).

gnomAD v4.1: 17 of 1,614,034 alleles (0.0011%); highest among the groups gnomAD compares: Admixed American, 0.0017%; no homozygotes.

Submission:

Labcorp Genetics (formerly Invitae), Labcorp
Classification: Uncertain significance. Last evaluated: 2021-09-24. Review status: criteria provided, single submitter. Criteria: Invitae Variant Classification Sherloc (09022015). Collection method: clinical testing. Allele origin: germline.
Comment: This sequence change replaces glycine with arginine at codon 1292 of the DSCAML1 protein (p.Gly1292Arg). The glycine residue is highly conserved and there is a moderate physicochemical difference between glycine and arginine. This variant is present in population databases (rs200813659, ExAC 0.002%). This variant has not been reported in the literature in individuals affected with DSCAML1-related conditions. Algorithms developed to predict the effect of missense changes on protein structure and function are either unavailable or do not agree on the potential impact of this missense change (SIFT: "Deleterious"; PolyPhen-2: "Possibly Damaging"; Align-GVGD: "Class C15"). In summary, the available evidence is currently insufficient to determine the role of this variant in disease. Therefore, it has been classified as a Variant of Uncertain Significance.